The following is an entry in ClinVar:

Conditions:
Arteriohepatic dysplasia. Also called: Alagille Syndrome. Identifiers: Orphanet 52, MedGen C0085280, MeSH D016738, MONDO:0007318.

Submission:

Gilbert/Spinner Lab, Children's Hospital of Philadelphia
No classification provided (evidence only). Condition: Alagille syndrome. Review status: no classification provided. Collection method: research. Allele origin: not applicable. Functional consequence: functionally_abnormal.
ClinVar note: "not provided" was previously submitted as the classification for the variant. However, the classification appeared to be based only on an observation of functional data so it was converted to no classification on 2025-07-30.

NM_000214.3(JAG1):c.391T>G (p.Ser131Ala)

Gene: JAG1 (jagged canonical Notch ligand 1; minus strand). Cytogenetic location: 20p12.2.
Variant type: single nucleotide variant.
Coding change: c.391T>G on transcript NM_000214.3 (MANE Select); coding-DNA position 391, T replaced by G.
Protein change: p.Ser131Ala; replaces serine 131 with alanine.
Molecular consequence: missense variant.
Genome position (GRCh38, 1-based): chr20:10,664,011, A>C on the plus strand (T>G on the coding strand, the complement: JAG1 is on the minus strand). VCF-style: chr20-10664011-A-C. GRCh37 (hg19) VCF-style: chr20-10644659-A-C.
Other names: short protein forms S131A.
Identifiers: ClinVar variation 3573291 (VCV003573291.2).